The following is an entry in ClinVar:

ClinVar aggregate classification (germline): Likely benign. Review status: criteria provided, multiple submitters, no conflicts (2 of 4 stars). 3 submissions from 3 submitters: Likely benign (2). 1 of the submissions does not count toward it. Last evaluated 2024-11-11.

Conditions:
AP4E1-related disorder. Also called: AP4E1-related condition.
Spastic paraplegia. Identifiers: MedGen C0037772, HP:0001258.

Allele frequency attached by ClinVar (database versions not stated): TOPMed below 0.00001; gnomAD 0.00001; gnomAD exomes 0.00001.
gnomAD v4.1: 23 of 1,594,752 alleles (0.0014%); highest among the groups gnomAD compares: Middle Eastern, 0.033%; 1 homozygote.

Submissions (3):

Blueprint Genetics
Classification: Likely benign. Last evaluated: 2024-11-11. Review status: criteria provided, single submitter. Criteria: ACMG Guidelines, 2015. Collection method: clinical testing. Allele origin: germline.

Labcorp Genetics (formerly Invitae), Labcorp
Classification: Likely benign for Spastic paraplegia. Last evaluated: 2022-01-15. Review status: criteria provided, single submitter. Criteria: Invitae Variant Classification Sherloc (09022015). Collection method: clinical testing. Allele origin: germline.

PreventionGenetics, part of Exact Sciences
Classification: Likely benign for AP4E1-related condition. Last evaluated: 2019-09-04. Review status: no assertion criteria provided. Collection method: clinical testing. Allele origin: germline. Not counted in ClinVar's aggregate classification.
Comment: This variant is classified as likely benign based on ACMG/AMP sequence variant interpretation guidelines (Richards et al. 2015 PMID: 25741868, with internal and published modifications).

NM_007347.5(AP4E1):c.420+9T>C

Gene: AP4E1 (adaptor related protein complex 4 subunit epsilon 1; plus strand). Cytogenetic location: 15q21.2.
Variant type: single nucleotide variant.
Coding change: c.420+9T>C on transcript NM_007347.5 (MANE Select); 9 bases into the intron after coding-DNA position 420, T replaced by C.
Molecular consequence: intron variant.
Genome position (GRCh38, 1-based): chr15:50,924,013, T>C. VCF-style: chr15-50924013-T-C. GRCh37 (hg19) VCF-style: chr15-51216210-T-C.
Other names: c.195+9T>C (NM_001252127.2); c.420+9T>C (NM_007347.4).
Identifiers: ClinVar variation 1099968 (VCV001099968.12), dbSNP rs2063739492, ClinGen allele CA969736774.